The following is an entry in ClinVar:

NM_001184880.2(PCDH19):c.2148-8C>T

Gene: PCDH19 (protocadherin 19; minus strand). Cytogenetic location: Xq22.1.
Variant type: single nucleotide variant.
Coding change: c.2148-8C>T on transcript NM_001184880.2 (MANE Select); 8 bases into the intron before coding-DNA position 2148, C replaced by T.
Molecular consequence: intron variant.
Genome position (GRCh38, 1-based): chrX:100,403,672, G>A on the plus strand (C>T on the coding strand, the complement: PCDH19 is on the minus strand). VCF-style: chrX-100403672-G-A. GRCh37 (hg19) VCF-style: chrX-99658670-G-A.
Other names: c.2148-821C>T (NM_020766.3, NM_001105243.2).
Identifiers: ClinVar variation 2847943 (VCV002847943.3), dbSNP rs2520964043, ClinGen allele CA2739273658.

ClinVar aggregate classification (germline): Uncertain significance (1 of 4 stars; one submission).

Conditions:
Developmental and epileptic encephalopathy, 9 (DEE9). Also called: Early infantile epileptic encephalopathy 9; JUBERG-HELLMAN SYNDROME; EPILEPSY, FEMALE-RESTRICTED, WITH MENTAL RETARDATION; PCDH19-Related X-Linked Female-Limited Epilepsy with Mental Retardation. Identifiers: Orphanet 101039, Orphanet 2076, MedGen C1848137, MONDO:0010246, OMIM 300088. Disease mechanism: loss of function.

Submission:

Labcorp Genetics (formerly Invitae), Labcorp
Classification: Uncertain significance for Developmental and epileptic encephalopathy, 9. Last evaluated: 2023-03-20. Review status: criteria provided, single submitter. Criteria: Invitae Variant Classification Sherloc (09022015). Collection method: clinical testing. Allele origin: germline.
Comment: This variant is not present in population databases (gnomAD no frequency). This sequence change falls in intron 1 of the PCDH19 gene. It does not directly change the encoded amino acid sequence of the PCDH19 protein. This variant has not been reported in the literature in individuals affected with PCDH19-related conditions. In summary, the available evidence is currently insufficient to determine the role of this variant in disease. Therefore, it has been classified as a Variant of Uncertain Significance. Algorithms developed to predict the effect of sequence changes on RNA splicing suggest that this variant may create or strengthen a splice site.